The following is an entry in ClinVar:

NM_000733.4(CD3E):c.119T>C (p.Ile40Thr)

Gene: CD3E (CD3 epsilon subunit of T-cell receptor complex; plus strand). Cytogenetic location: 11q23.3.
Variant type: single nucleotide variant.
Coding change: c.119T>C on transcript NM_000733.4 (MANE Select); coding-DNA position 119, T replaced by C.
Protein change: p.Ile40Thr; replaces isoleucine 40 with threonine.
Molecular consequence: missense variant.
Genome position (GRCh38, 1-based): chr11:118,312,633, T>C. VCF-style: chr11-118312633-T-C. GRCh37 (hg19) VCF-style: chr11-118183348-T-C.
Other names: short protein forms I40T.
Identifiers: ClinVar variation 1420019 (VCV001420019.5), dbSNP rs2134766495, ClinGen allele CA382781729.

ClinVar aggregate classification (germline): Uncertain significance (1 of 4 stars; one submission).

Conditions:
Immunodeficiency 18 (IMD18). Also called: CD3-EPSILON DEFICIENCY; CD3epsilon deficiency. Identifiers: MedGen C3810127, MONDO:0014278, OMIM 615615.

Submission:

Labcorp Genetics (formerly Invitae), Labcorp
Classification: Uncertain significance for Immunodeficiency 18. Last evaluated: 2024-09-30. Review status: criteria provided, single submitter. Criteria: Invitae Variant Classification Sherloc (09022015). Collection method: clinical testing. Allele origin: germline.
Comment: This sequence change replaces isoleucine, which is neutral and non-polar, with threonine, which is neutral and polar, at codon 40 of the CD3E protein (p.Ile40Thr). This variant is not present in population databases (gnomAD no frequency). This variant has not been reported in the literature in individuals affected with CD3E-related conditions. ClinVar contains an entry for this variant (Variation ID: 1420019). An algorithm developed to predict the effect of missense changes on protein structure and function (PolyPhen-2) suggests that this variant is likely to be disruptive. In summary, the available evidence is currently insufficient to determine the role of this variant in disease. Therefore, it has been classified as a Variant of Uncertain Significance.